The following is an entry in ClinVar:

NM_003482.4(KMT2D):c.10993C>T (p.Pro3665Ser)

Gene: KMT2D (lysine methyltransferase 2D; minus strand). Cytogenetic location: 12q13.12.
Variant type: single nucleotide variant.
Coding change: c.10993C>T on transcript NM_003482.4 (MANE Select); coding-DNA position 10993, C replaced by T.
Protein change: p.Pro3665Ser; replaces proline 3665 with serine.
Molecular consequence: missense variant.
Genome position (GRCh38, 1-based): chr12:49,033,712, G>A on the plus strand (C>T on the coding strand, the complement: KMT2D is on the minus strand). VCF-style: chr12-49033712-G-A. GRCh37 (hg19) VCF-style: chr12-49427495-G-A.
Other names: short protein forms P3665S.
Identifiers: ClinVar variation 1709077 (VCV001709077.2), dbSNP rs112170602, ClinGen allele CA384724402.

ClinVar aggregate classification (germline): Uncertain significance (1 of 4 stars; one submission).

Conditions:
Kabuki syndrome 1 (KABUK1). Also called: KMT2D-Related Kabuki Syndrome. Identifiers: Orphanet 2322, MedGen CN030661, MONDO:0007843, OMIM 147920.

gnomAD v4.1: 4 of 1,613,554 alleles (0.00025%); highest among the groups gnomAD compares: Non-Finnish European, 0.00034%; no homozygotes.

Submission:

MGZ Medical Genetics Center
Classification: Uncertain significance for Kabuki syndrome 1. Last evaluated: 2022-02-03. Review status: criteria provided, single submitter. Criteria: ACMG Guidelines, 2015. Collection method: clinical testing. Allele origin: germline. Affected: yes. Observed: 1 variant allele.
Comment: ACMG criteria applied: PM2_SUP, PP2, BP4